The following is an entry in ClinVar:

ClinVar aggregate classification (germline): Benign. Review status: reviewed by expert panel (3 of 4 stars). 7 submissions from 7 submitters: Benign (1). 6 of the submissions do not count toward it. Last evaluated 2015-01-12.

Conditions:
Breast-ovarian cancer, familial, susceptibility to, 1 (BROVCA1). Also called: BRCA1 Hereditary Breast and Ovarian Cancer; OVARIAN CANCER, SUSCEPTIBILITY TO. Identifiers: Orphanet 145, MedGen C2676676, MONDO:0011450, OMIM 604370. Disease mechanism: loss of function.

Allele frequency attached by ClinVar (database versions not stated): TOPMed 0.30258; gnomAD 0.30895 and 0.31641; 1000 Genomes Project 30x 0.34806; gnomAD exomes 0.34903; 1000 Genomes Project 0.35363.
gnomAD v4.1: 229,668 of 672,880 alleles (34%); highest among the groups gnomAD compares: South Asian, 50%; 40,431 homozygotes.

Submissions (7):

Evidence-based Network for the Interpretation of Germline Mutant Alleles (ENIGMA)
Classification: Benign for Breast-ovarian cancer, familial 1. Last evaluated: 2015-01-12. Review status: reviewed by expert panel. Criteria: ENIGMA BRCA1/2 Classification Criteria (2015). Collection method: curation. Allele origin: germline.
Comment: Class 1 not pathogenic based on frequency >1% in an outbred sampleset. Frequency 0.3304 (Asian), 0.2154 (African), 0.3602 (European), derived from 1000 genomes (2012-04-30).

GeneDx
Classification: Benign. Last evaluated: 2018-06-23. Review status: criteria provided, single submitter. Criteria: GeneDx Variant Classification Process June 2021. Collection method: clinical testing. Allele origin: germline. Affected: yes. Not counted in ClinVar's aggregate classification.

GeneKor MSA
Classification: Benign. Last evaluated: 2017-11-01. Review status: criteria provided, single submitter. Criteria: ACMG Guidelines, 2015. Collection method: clinical testing. Allele origin: germline. Affected: yes. Not counted in ClinVar's aggregate classification.

Breakthrough Genomics
Classification: Benign. Review status: criteria provided, single submitter. Criteria: ACMG Guidelines, 2015. Collection method: not provided. Allele origin: germline. Inheritance: Autosomal recessive inheritance. Affected: yes. Not counted in ClinVar's aggregate classification.

Breast Cancer Information Core (BIC) (BRCA1)
Classification: Uncertain significance for Breast-ovarian cancer, familial 1. Last evaluated: 2003-11-25. Review status: no assertion criteria provided. Collection method: clinical testing. Allele origin: germline. Affected: yes. Observed: 1 variant allele. Not counted in ClinVar's aggregate classification.

Clinical Genetics Laboratory, Department of Pathology, Netherlands Cancer Institute
Classification: Benign. Review status: no assertion criteria provided. Collection method: clinical testing. Allele origin: germline. Affected: yes. Study: VKGL Data-share Consensus. Not counted in ClinVar's aggregate classification.

Genome Diagnostics Laboratory, University Medical Center Utrecht
Classification: Benign. Review status: no assertion criteria provided. Collection method: clinical testing. Allele origin: germline. Affected: yes. Study: VKGL Data-share Consensus. Not counted in ClinVar's aggregate classification.

NM_007294.4(BRCA1):c.-19-115T>C

Gene: BRCA1 (BRCA1 DNA repair associated; minus strand). Cytogenetic location: 17q21.31.
Variant type: single nucleotide variant.
Coding change: c.-19-115T>C on transcript NM_007294.4 (MANE Select); 115 bases into the intron before 19 bases upstream of the start codon, T replaced by C.
Molecular consequence: intron variant.
Genome position (GRCh38, 1-based): chr17:43,124,230, A>G on the plus strand (T>C on the coding strand, the complement: BRCA1 is on the minus strand). VCF-style: chr17-43124230-A-G. GRCh37 (hg19) VCF-style: chr17-41276247-A-G.
Other names: IVS1-115T>C; IVS 1-115T>C; c.-106-115T>C (NM_007297.4); c.-19-115T>C (NM_007299.4, NM_007300.4).
Identifiers: ClinVar variation 125468 (VCV000125468.5), dbSNP rs3765640, ClinGen allele CA001252.